The following is an entry in ClinVar:

NM_004393.6(DAG1):c.1215G>A (p.Met405Ile)

Gene: DAG1 (dystroglycan 1; plus strand). Cytogenetic location: 3p21.31.
Variant type: single nucleotide variant.
Coding change: c.1215G>A on transcript NM_004393.6 (MANE Select); coding-DNA position 1215, G replaced by A.
Protein change: p.Met405Ile; replaces methionine 405 with isoleucine.
Molecular consequence: missense variant.
Genome position (GRCh38, 1-based): chr3:49,531,726, G>A. VCF-style: chr3-49531726-G-A. GRCh37 (hg19) VCF-style: chr3-49569159-G-A.
Other names: c.1215G>A, p.Met405Ile (NM_001165928.4, NM_001177634.3, NM_001177635.3 and 9 more transcripts); c.1215G>A (NM_004393.4); short protein forms M405I.
Identifiers: ClinVar variation 497180 (VCV000497180.16), dbSNP rs141238609, ClinGen allele CA2399035.

ClinVar aggregate classification (germline): Uncertain significance. Review status: criteria provided, multiple submitters, no conflicts (2 of 4 stars). 3 submissions from 3 submitters: Uncertain significance (3). Last evaluated 2025-06-22.

Conditions:
Autosomal recessive limb-girdle muscular dystrophy type 2P. Also called: Limb-Girdle Muscular Dystrophy Type 9C; MUSCULAR DYSTROPHY, LIMB-GIRDLE, TYPE 2P; MUSCULAR DYSTROPHY-DYSTROGLYCANOPATHY, LIMB-GIRDLE, DAG1-RELATED. Identifiers: Orphanet 280333, MedGen C4511963, MONDO:0013440, OMIM 613818.
Muscular dystrophy-dystroglycanopathy (congenital with brain and eye anomalies), type A9. Also called: WALKER-WARBURG SYNDROME OR MUSCLE-EYE BRAIN DISEASE, DAG1-RELATED; Muscular dystrophy-dystroglycanopathy (congenital with brain and eye anomalies), type a, 9. Identifiers: Orphanet 370997, Orphanet 899, MedGen C4225291, MONDO:0014683, OMIM 616538.
Inborn genetic diseases. Identifiers: MedGen C0950123, MeSH D030342.

Allele frequency attached by ClinVar (database versions not stated): TOPMed 0.00009; gnomAD 0.00010 and 0.00011; gnomAD exomes 0.00013 and 0.00014; ExAC 0.00015; ESP Exome Variant Server 0.00015; 1000 Genomes Project 0.00040; 1000 Genomes Project 30x 0.00047.
gnomAD v4.1: 227 of 1,614,042 alleles (0.014%); highest among the groups gnomAD compares: Non-Finnish European, 0.016%; no homozygotes.

Submissions (3):

Ambry Genetics
Classification: Uncertain significance for Inborn genetic diseases. Last evaluated: 2025-06-22. Review status: criteria provided, single submitter. Criteria: Ambry Variant Classification Scheme 2023. Collection method: clinical testing. Allele origin: germline.

Labcorp Genetics (formerly Invitae), Labcorp
Classification: Uncertain significance for Autosomal recessive limb-girdle muscular dystrophy type 2P; Muscular dystrophy-dystroglycanopathy (congenital with brain and eye anomalies), type A9. Last evaluated: 2025-01-13. Review status: criteria provided, single submitter. Criteria: Invitae Variant Classification Sherloc (09022015). Collection method: clinical testing. Allele origin: germline.
Comment: This sequence change replaces methionine, which is neutral and non-polar, with isoleucine, which is neutral and non-polar, at codon 405 of the DAG1 protein (p.Met405Ile). This variant is present in population databases (rs141238609, gnomAD 0.06%). This variant has not been reported in the literature in individuals affected with DAG1-related conditions. ClinVar contains an entry for this variant (Variation ID: 497180). Invitae Evidence Modeling of protein sequence and biophysical properties (such as structural, functional, and spatial information, amino acid conservation, physicochemical variation, residue mobility, and thermodynamic stability) indicates that this missense variant is not expected to disrupt DAG1 protein function with a negative predictive value of 80%. In summary, the available evidence is currently insufficient to determine the role of this variant in disease. Therefore, it has been classified as a Variant of Uncertain Significance.

Eurofins Ntd Llc (ga)
Classification: Uncertain significance. Last evaluated: 2017-12-11. Review status: criteria provided, single submitter. Criteria: EGL Classification Definitions 2015. Collection method: clinical testing. Allele origin: germline. Observed: 5 variant alleles, 5 heterozygotes.